The following is an entry in ClinVar:

NM_203447.4(DOCK8):c.2198A>G (p.His733Arg)

Gene: DOCK8 (dedicator of cytokinesis 8; plus strand). Cytogenetic location: 9p24.3.
Variant type: single nucleotide variant.
Coding change: c.2198A>G on transcript NM_203447.4 (MANE Select); coding-DNA position 2198, A replaced by G.
Protein change: p.His733Arg; replaces histidine 733 with arginine.
Molecular consequence: missense variant.
Genome position (GRCh38, 1-based): chr9:376,298, A>G. VCF-style: chr9-376298-A-G. GRCh37 (hg19) VCF-style: chr9-376298-A-G.
Other names: c.1994A>G, p.His665Arg (NM_001190458.2, NM_001193536.2); short protein forms H733R, H665R.
Identifiers: ClinVar variation 2611735 (VCV002611735.4), dbSNP rs2538332521, ClinGen allele CA372762977.

ClinVar aggregate classification (germline): Uncertain significance. Review status: criteria provided, multiple submitters, no conflicts (2 of 4 stars). 2 submissions from 2 submitters: Uncertain significance (2). Last evaluated 2024-11-11.

Conditions:
Inborn genetic diseases. Identifiers: MedGen C0950123, MeSH D030342.
Combined immunodeficiency due to DOCK8 deficiency (HIES2). Also called: HIES autosomal recessive; HYPER-IgE RECURRENT INFECTION SYNDROME 2, AUTOSOMAL RECESSIVE; HYPER-IgE SYNDROME 2, AUTOSOMAL RECESSIVE, WITH RECURRENT INFECTIONS; DOCK8 Deficiency; Hyper-IgE recurrent infection syndrome, autosomal recessive. Identifiers: Orphanet 217390, MedGen C4722305, MONDO:0009478, OMIM 243700.

Submissions (2):

Labcorp Genetics (formerly Invitae), Labcorp
Classification: Uncertain significance for Combined immunodeficiency due to DOCK8 deficiency. Last evaluated: 2024-11-11. Review status: criteria provided, single submitter. Criteria: Invitae Variant Classification Sherloc (09022015). Collection method: clinical testing. Allele origin: germline.
Comment: This sequence change replaces histidine, which is basic and polar, with arginine, which is basic and polar, at codon 733 of the DOCK8 protein (p.His733Arg). This variant is not present in population databases (gnomAD no frequency). This variant has not been reported in the literature in individuals affected with DOCK8-related conditions. ClinVar contains an entry for this variant (Variation ID: 2611735). Invitae Evidence Modeling of protein sequence and biophysical properties (such as structural, functional, and spatial information, amino acid conservation, physicochemical variation, residue mobility, and thermodynamic stability) has been performed for this missense variant. However, the output from this modeling did not meet the statistical confidence thresholds required to predict the impact of this variant on DOCK8 protein function. In summary, the available evidence is currently insufficient to determine the role of this variant in disease. Therefore, it has been classified as a Variant of Uncertain Significance.

Ambry Genetics
Classification: Uncertain significance for Inborn genetic diseases. Last evaluated: 2023-07-14. Review status: criteria provided, single submitter. Criteria: Ambry Variant Classification Scheme 2023. Collection method: clinical testing. Allele origin: germline.